The following is an entry in ClinVar:

NM_001171136.2(ZBED1):c.630C>T (p.Tyr210=)

Genes: DHRSX (dehydrogenase/reductase X-linked; minus strand), ZBED1 (zinc finger BED-type containing 1; minus strand). Cytogenetic location: Xp22.33.
Variant type: single nucleotide variant.
Coding change: c.630C>T on transcript NM_001171136.2 (MANE Select); coding-DNA position 630, C replaced by T.
Protein change: p.Tyr210=; no amino-acid change (tyrosine 210 retained).
Molecular consequence: synonymous variant. On other transcripts: intron variant (1).
Genome position (GRCh38, 1-based): chrX:2,490,090, G>A on the plus strand (C>T on the coding strand, the complement: ZBED1 is on the minus strand). VCF-style: chrX-2490090-G-A. GRCh37 (hg19) VCF-style: chrX-2408131-G-A.
Other names: c.630C>T, p.Tyr210= (NM_001171135.2, NM_004729.4); c.109+10727C>T (NM_145177.3).
Identifiers: ClinVar variation 4681672 (VCV004681672.5).

ClinVar aggregate classification (germline): Likely benign (1 of 4 stars; one submission).

gnomAD v4.1: 37 of 1,613,728 alleles (0.0023%); highest among the groups gnomAD compares: African/African-American, 0.024%; no homozygotes.

Submission:

CeGaT Center for Human Genetics Tuebingen
Classification: Likely benign. Last evaluated: 2025-12-01. Review status: criteria provided, single submitter. Criteria: CeGaT Center For Human Genetics Tuebingen Variant Classification Criteria Version 2. Collection method: clinical testing. Allele origin: germline. Affected: yes. Observed: 1 variant allele.
Comment: ZBED1: BP4, BP7, BS2